The following is an entry in ClinVar:

ClinVar aggregate classification (germline): Conflicting classifications of pathogenicity. Review status: criteria provided, conflicting classifications (1 of 4 stars). 3 submissions from 3 submitters: Pathogenic (1); Uncertain significance (2). Last evaluated 2024-10-30.

Conditions:
Familial thoracic aortic aneurysm and aortic dissection (TAAD). Also called: Thoracic aortic aneurysms and dissections. Identifiers: Orphanet 91387, MedGen C4707243, MONDO:0019625.
Aortic aneurysm, familial thoracic 6 (AAT6). Also called: FAMILIAL THORACIC AORTIC ANEURYSM WITH LIVEDO RETICULARIS AND IRIS FLOCCULI. Identifiers: MedGen C2673186, MONDO:0012730, OMIM 611788.

Submissions (3):

GeneDx
Classification: Uncertain significance. Last evaluated: 2024-10-30. Review status: criteria provided, single submitter. Criteria: GeneDx Variant Classification Process June 2021. Collection method: clinical testing. Allele origin: germline. Affected: yes.
Comment: Not observed at significant frequency in large population cohorts (gnomAD); In silico analysis supports that this missense variant has a deleterious effect on protein structure/function; This variant is associated with the following publications: (PMID: 23099432)

Labcorp Genetics (formerly Invitae), Labcorp
Classification: Pathogenic for Aortic aneurysm, familial thoracic 6. Last evaluated: 2022-07-26. Review status: criteria provided, single submitter. Criteria: Invitae Variant Classification Sherloc (09022015). Collection method: clinical testing. Allele origin: germline.
Comment: This sequence change replaces glycine, which is neutral and non-polar, with glutamic acid, which is acidic and polar, at codon 270 of the ACTA2 protein (p.Gly270Glu). This variant is not present in population databases (gnomAD no frequency). This missense change has been observed in individuals with ACTA2-related conditions (PMID: 23099432; Invitae). It has also been observed to segregate with disease in related individuals. ClinVar contains an entry for this variant (Variation ID: 199676). Algorithms developed to predict the effect of missense changes on protein structure and function (SIFT, PolyPhen-2, Align-GVGD) all suggest that this variant is likely to be disruptive. Algorithms developed to predict the effect of sequence changes on RNA splicing suggest that this variant may create or strengthen a splice site. For these reasons, this variant has been classified as Pathogenic.

Ambry Genetics
Classification: Uncertain significance for Familial thoracic aortic aneurysm and aortic dissection. Last evaluated: 2017-04-03. Review status: criteria provided, single submitter. Criteria: Ambry Variant Classification Scheme 2023. Collection method: clinical testing. Allele origin: germline.
Comment: The p.G270E variant (also known as c.809G>A) is located in coding exon 7 of the ACTA2 gene, results from a G to A substitution as nucleotide position 809. The glycine at codon 270 is replaced by glutamic acid, an amino acid with similar properties. This change occurs in the first base pair of coding exon 7. This alteration has been identified in a single individual with thoracic aortic aneurysm and has been reported to co-segregate with disease (Bee KJ et al. Circ Cardiovasc Genet, 2012 Dec;5:621-9). Another alteration affecting this amino acid (p.G270R, c.808G>A) has been reported in two individuals with suspected familial thoracic aortic aneurysm (Regalado ES et al. Circ Cardiovasc Genet, 2015 Jun;8:457-64; Ziganshin BA et al. Ann. Thorac. Surg., 2015 Nov;100:1604-11). This amino acid position is highly conserved in available vertebrate species. In addition, this alteration is predicted to be deleterious by in silico analysis. Since supporting evidence is limited at this time, the clinical significance of this alteration remains unclear.

Literature cited by the submitters: PubMed 23099432 (cited by Labcorp Genetics (formerly Invitae), Labcorp and Ambry Genetics); PubMed 25759435 (cited by Ambry Genetics); PubMed 26188975 (cited by Ambry Genetics).

NM_001613.4(ACTA2):c.809G>A (p.Gly270Glu)

Genes: ACTA2-AS1 (ACTA2 antisense RNA 1; plus strand), ACTA2 (actin alpha 2, smooth muscle; minus strand). Cytogenetic location: 10q23.31.
Variant type: single nucleotide variant.
Coding change: c.809G>A on transcript NM_001613.4 (MANE Select); coding-DNA position 809, G replaced by A.
Protein change: p.Gly270Glu; replaces glycine 270 with glutamic acid.
Molecular consequence: missense variant. On other transcripts: non-coding transcript variant (1).
Genome position (GRCh38, 1-based): chr10:88,938,242, C>T on the plus strand (G>A on the coding strand, the complement: ACTA2 is on the minus strand). VCF-style: chr10-88938242-C-T. GRCh37 (hg19) VCF-style: chr10-90697999-C-T.
Other names: p.G270E:GGG>GAG; c.809G>A, p.Gly270Glu (NM_001141945.3, NM_001320855.2, NM_001406462.1 and 2 more transcripts); c.698G>A, p.Gly233Glu (NM_001406466.1); c.680G>A, p.Gly227Glu (NM_001406467.1, NM_001406468.1, NM_001406469.1); c.617G>A, p.Gly206Glu (NM_001406471.1); short protein forms G270E, G206E, G233E, G227E.
Identifiers: ClinVar variation 199676 (VCV000199676.15), dbSNP rs794728029, ClinGen allele CA007052.